The following is an entry in ClinVar:

ClinVar aggregate classification (germline): Uncertain significance (1 of 4 stars; one submission).

Submission:

GeneDx
Classification: Uncertain significance. Last evaluated: 2025-09-17. Review status: criteria provided, single submitter. Criteria: GeneDx Variant Classification Process June 2021. Collection method: clinical testing. Allele origin: germline.
Comment: Not observed at significant frequency in large population cohorts (gnomAD); In silico analysis supports that this missense variant has a deleterious effect on protein structure/function; This variant is associated with the following publications: (PMID: 33057194, 35982159)

NM_001145308.5(LRTOMT):c.774G>C (p.Lys258Asn)

Genes: ANAPC15 (anaphase promoting complex subunit 15; minus strand), LRTOMT (leucine rich transmembrane and O-methyltransferase domain containing; plus strand), TOMT (transmembrane O-methyltransferase; plus strand). Cytogenetic location: 11q13.4.
Variant type: single nucleotide variant.
Coding change: c.774G>C on transcript NM_001145308.5; coding-DNA position 774, G replaced by C.
Protein change: p.Lys258Asn; replaces lysine 258 with asparagine.
Molecular consequence: missense variant. On other transcripts: non-coding transcript variant (1), intron variant (7).
Genome position (GRCh38, 1-based): chr11:72,108,823, G>C. VCF-style: chr11-72108823-G-C. GRCh37 (hg19) VCF-style: chr11-71819869-G-C.
Other names: c.774G>C, p.Lys258Asn (NM_001145309.4); c.654G>C, p.Lys218Asn (NM_001145310.4); c.371C>G, p.Ser124Cys (NM_001393443.1, NM_001393444.1, NM_001393445.1); c.64-1218C>G (NM_001393459.1); c.319-1218C>G (NM_001393430.1, NM_001393429.1, NM_001393428.1 and 3 more transcripts); c.675G>C, p.Lys225Asn (NM_001393500.2); short protein forms K218N, K225N, K258N, S124C.
Identifiers: ClinVar variation 3906532 (VCV003906532.2).
Genomic context (GRCh38, chr11:72,108,823, plus strand): 5'-CACCGTGCTGGCTGACCATGTGCTCTTCCCTGGTGCACCCCGCTTCTTGCAGTATGCTAA[G>C]AGCTGTGGCCGCTACCGCTGCCGCCTCCACCACACTGGCCTTCCAGACTTCCCTGCCATC-3'